The following is an entry in ClinVar:

ClinVar aggregate classification (germline): Conflicting classifications of pathogenicity. Review status: criteria provided, conflicting classifications (1 of 4 stars). 3 submissions from 3 submitters: Likely pathogenic (2); Uncertain significance (1). Last evaluated 2026-09-08.

Conditions:
Fabry disease. Also called: ALPHA-GALACTOSIDASE A DEFICIENCY; ANDERSON-FABRY DISEASE; CERAMIDE TRIHEXOSIDASE DEFICIENCY; Fabry's disease; Ceramide trihexosidosis; GLA DEFICIENCY. Identifiers: Orphanet 324, MedGen C0002986, MONDO:0010526, OMIM 301500, HP:0001071. Disease mechanism: Fabry disease is due to inactivating mutations in the X-linked GLA gene resulting in deficiency of the enzyme Alpha Galactosidase-A., loss of function.

Allele frequency attached by ClinVar (database versions not stated): gnomAD exomes below 0.00001; TOPMed below 0.00001; gnomAD 0.00001.

Submissions (3):

Genomenon, Inc
Classification: Likely pathogenic for Fabry disease. Last evaluated: 2026-09-08. Review status: criteria provided, single submitter. Criteria: Genomenon Sequence Variant Interpretation Standards - Updated. Collection method: curation. Allele origin: germline. Affected: yes.
Comment: GLA p.Leu106Phe (c.316C>T) is a missense variant that changes the amino acid at codon 106 from Leucine to Phenylalanine. This variant has been observed in at least one proband with clinical features consistent with Fabry disease (PMID:29853467;26563328). Functional or patient cell studies have been reported (PMID:26563328). It is absent or not present at a significant frequency in gnomAD. In silico models predict that this variant is possibly or probably damaging. In conclusion, we classify GLA p.Leu106Phe (c.316C>T) as a likely pathogenic variant.

Labcorp Genetics (formerly Invitae), Labcorp
Classification: Likely pathogenic for Fabry disease. Last evaluated: 2025-07-29. Review status: criteria provided, single submitter. Criteria: Invitae Variant Classification Sherloc (09022015). Collection method: clinical testing. Allele origin: germline.
Comment: This sequence change replaces leucine, which is neutral and non-polar, with phenylalanine, which is neutral and non-polar, at codon 106 of the GLA protein (p.Leu106Phe). This variant is not present in population databases (gnomAD no frequency). This missense change has been observed in individual(s) with clinical features of Fabry disease (PMID: 26563328, 27979989). ClinVar contains an entry for this variant (Variation ID: 2432130). Invitae Evidence Modeling of protein sequence and biophysical properties (such as structural, functional, and spatial information, amino acid conservation, physicochemical variation, residue mobility, and thermodynamic stability) indicates that this missense variant is expected to disrupt GLA protein function with a positive predictive value of 80%. This variant disrupts the p.Leu106Arg amino acid residue in GLA. Other variant(s) that disrupt this residue have been determined to be pathogenic (PMID: 17100396, 36833443). This suggests that this residue is clinically significant, and that variants that disrupt this residue are likely to be disease-causing. In summary, the currently available evidence indicates that the variant is pathogenic, but additional data are needed to prove that conclusively. Therefore, this variant has been classified as Likely Pathogenic.

Revvity Omics, Revvity
Classification: Uncertain significance. Last evaluated: 2023-01-11. Review status: criteria provided, single submitter. Criteria: ACMG Guidelines, 2015. Collection method: clinical testing. Allele origin: germline.

Literature cited by the submitters: PubMed 29853467 (cited by Genomenon, Inc); PubMed 26563328 (cited by Genomenon, Inc and Labcorp Genetics (formerly Invitae), Labcorp); PubMed 27979989 (cited by Labcorp Genetics (formerly Invitae), Labcorp); PubMed 17100396 (cited by Labcorp Genetics (formerly Invitae), Labcorp); PubMed 36833443 (cited by Labcorp Genetics (formerly Invitae), Labcorp).

NM_000169.3(GLA):c.316C>T (p.Leu106Phe)

Genes: RPL36A-HNRNPH2 (RPL36A-HNRNPH2 readthrough; plus strand), GLA (galactosidase alpha; minus strand). Cytogenetic location: Xq22.1.
Variant type: single nucleotide variant.
Coding change: c.316C>T on transcript NM_000169.3 (MANE Select); coding-DNA position 316, C replaced by T.
Protein change: p.Leu106Phe; replaces leucine 106 with phenylalanine.
Molecular consequence: missense variant. On other transcripts: non-coding transcript variant (3), intron variant (2).
Genome position (GRCh38, 1-based): chrX:101,403,864, G>A on the plus strand (C>T on the coding strand, the complement: GLA is on the minus strand). VCF-style: chrX-101403864-G-A. GRCh37 (hg19) VCF-style: chrX-100658852-G-A.
Other names: c.439C>T, p.Leu147Phe (NM_001406747.1, NM_001406749.1); c.316C>T, p.Leu106Phe (NM_001406748.1); c.301-8072G>A (NM_001199973.2); c.178-8072G>A (NM_001199974.2); short protein forms L106F, L147F.
Identifiers: ClinVar variation 2432130 (VCV002432130.6), dbSNP rs1178979608, ClinGen allele CA413933314.
Genomic context (GRCh38, chrX:101,403,864, plus strand): 5'-AACTCACATAATTAGCTAGCTGGCGAATCCCATGAGGAAAGCGCTGAGGGTCTGCCTGAA[G>A]TCTGCCTTCTGAATCTCTTTGGGGAGCCATCCAACAGTCATCAATGCAGAGGTACTCATA-3'
Protein context (NP_000160.1, residues 96-116): MAPQRDSEGR[Leu106Phe]QADPQRFPHG